The following is an entry in ClinVar:

ClinVar aggregate classification (germline): Uncertain significance (1 of 4 stars; one submission).

Conditions:
ABCC12-related condition.

gnomAD v4.1: 42 of 1,614,130 alleles (0.0026%); highest among the groups gnomAD compares: Non-Finnish European, 0.0033%; no homozygotes.

Submission:

PreventionGenetics, part of Exact Sciences
Classification: Uncertain significance for ABCC12-related condition. Last evaluated: 2026-03-12. Review status: criteria provided, single submitter. Criteria: ACMG Guidelines, 2015. Collection method: clinical testing. Allele origin: germline.
Comment: The ABCC12 c.617T>C variant is predicted to result in the amino acid substitution p.Leu206Pro. To our knowledge, this variant has not been reported in the literature. This variant is reported in 0.0080% of alleles in individuals of African descent in gnomAD. At this time, the clinical significance of this variant is uncertain due to the absence of conclusive functional and genetic evidence.

NM_001393797.1(ABCC12):c.617T>C (p.Leu206Pro)

Gene: ABCC12 (ATP binding cassette subfamily C member 12; minus strand). Cytogenetic location: 16q12.1.
Variant type: single nucleotide variant.
Coding change: c.617T>C on transcript NM_001393797.1 (MANE Select); coding-DNA position 617, T replaced by C.
Protein change: p.Leu206Pro; replaces leucine 206 with proline.
Molecular consequence: missense variant. On other transcripts: non-coding transcript variant (6).
Genome position (GRCh38, 1-based): chr16:48,140,727, A>G on the plus strand (T>C on the coding strand, the complement: ABCC12 is on the minus strand). VCF-style: chr16-48140727-A-G. GRCh37 (hg19) VCF-style: chr16-48174638-A-G.
Other names: c.617T>C, p.Leu206Pro (NM_001392028.1, NM_033226.3); short protein forms L206P.
Identifiers: ClinVar variation 4978030 (VCV004978030.1).
Genomic context (GRCh38, chr16:48,140,727, plus strand): 5'-ACTCCTCTGAGCCAGCTTACCTCGCCAACAGAGATGTGGGTCAATGTCTTGAAGGACACT[A>G]GGTTTTCAAAAACCAAGGTGGAGAGCGCCACCTTCAACCGGATGGCCGTGCGGTAGTTGA-3'
Protein context (NP_001380726.1, residues 196-216): VALSTLVFEN[Leu206Pro]VSFKTLTHIS